The following is an entry in ClinVar:

ClinVar aggregate classification (germline): Uncertain significance. Review status: criteria provided, multiple submitters, no conflicts (2 of 4 stars). 2 submissions from 2 submitters: Uncertain significance (2). Last evaluated 2023-08-27.

Conditions:
Myoclonic epilepsy, juvenile, susceptibility to, 1. Also called: Myoclonic Epilepsy, Juvenile, 1; EJM1. Identifiers: MedGen C1850778, MONDO:0020752, OMIM 254770.
Absence seizure. Also called: Absence epilepsy. Identifiers: Orphanet 1941, MedGen C0014553.

Allele frequency attached by ClinVar (database versions not stated): gnomAD exomes 0.00002 and 0.00001; TOPMed 0.00003; gnomAD 0.00005; 1000 Genomes Project 0.00020; 1000 Genomes Project 30x 0.00031; ExAC 0.00002.
gnomAD v4.1: 11 of 1,613,836 alleles (0.00068%); highest among the groups gnomAD compares: African/African-American, 0.015%; no homozygotes.

Submissions (2):

Labcorp Genetics (formerly Invitae), Labcorp
Classification: Uncertain significance for Myoclonic epilepsy, juvenile, susceptibility to, 1; Absence seizure. Last evaluated: 2023-08-27. Review status: criteria provided, single submitter. Criteria: Invitae Variant Classification Sherloc (09022015). Collection method: clinical testing. Allele origin: germline.
Comment: In summary, the available evidence is currently insufficient to determine the role of this variant in disease. Therefore, it has been classified as a Variant of Uncertain Significance. Advanced modeling of protein sequence and biophysical properties (such as structural, functional, and spatial information, amino acid conservation, physicochemical variation, residue mobility, and thermodynamic stability) performed at Invitae indicates that this missense variant is not expected to disrupt EFHC1 protein function. ClinVar contains an entry for this variant (Variation ID: 661434). This variant has not been reported in the literature in individuals affected with EFHC1-related conditions. This variant is present in population databases (rs529767823, gnomAD 0.02%). This sequence change replaces valine, which is neutral and non-polar, with glycine, which is neutral and non-polar, at codon 425 of the EFHC1 protein (p.Val425Gly).

Ambry Genetics
Classification: Uncertain significance. Last evaluated: 2022-01-31. Review status: criteria provided, single submitter. Criteria: Ambry Variant Classification Scheme 2023. Collection method: clinical testing. Allele origin: germline.

NM_018100.4(EFHC1):c.1274T>G (p.Val425Gly)

Gene: EFHC1 (EF-hand domain containing 1; plus strand). Cytogenetic location: 6p12.2.
Variant type: single nucleotide variant.
Coding change: c.1274T>G on transcript NM_018100.4 (MANE Select); coding-DNA position 1274, T replaced by G.
Protein change: p.Val425Gly; replaces valine 425 with glycine.
Molecular consequence: missense variant. On other transcripts: non-coding transcript variant (1).
Genome position (GRCh38, 1-based): chr6:52,469,469, T>G. VCF-style: chr6-52469469-T-G. GRCh37 (hg19) VCF-style: chr6-52334267-T-G.
Other names: c.1217T>G, p.Val406Gly (NM_001172420.2); short protein forms V425G, V406G.
Identifiers: ClinVar variation 661434 (VCV000661434.13), dbSNP rs529767823, ClinGen allele CA3856028.